The following is an entry in ClinVar:

ClinVar aggregate classification (germline): Likely pathogenic (1 of 4 stars; one submission).

Conditions:
Propionic acidemia (PROP). Also called: GLYCINEMIA, KETOTIC; HYPERGLYCINEMIA WITH KETOACIDOSIS AND LEUKOPENIA; KETOTIC HYPERGLYCINEMIA. Identifiers: Orphanet 35, MedGen C0268579, MONDO:0011628, OMIM 606054, HP:0003571.

Submission:

Labcorp Genetics (formerly Invitae), Labcorp
Classification: Likely pathogenic for Propionic acidemia. Last evaluated: 2023-08-10. Review status: criteria provided, single submitter. Criteria: Invitae Variant Classification Sherloc (09022015). Collection method: clinical testing. Allele origin: germline.
Comment: This sequence change affects a donor splice site in intron 5 of the PCCB gene. It is expected to disrupt RNA splicing. Variants that disrupt the donor or acceptor splice site typically lead to a loss of protein function (PMID: 16199547), and loss-of-function variants in PCCB are known to be pathogenic (PMID: 15464417). In summary, the currently available evidence indicates that the variant is pathogenic, but additional data are needed to prove that conclusively. Therefore, this variant has been classified as Likely Pathogenic. Algorithms developed to predict the effect of sequence changes on RNA splicing suggest that this variant may disrupt the consensus splice site. Disruption of this splice site has been observed in individual(s) with propionic acidemia (PMID: 12559849). This variant is not present in population databases (gnomAD no frequency).

Literature cited by the submitters: PubMed 16199547; PubMed 15464417; PubMed 12559849.

NM_000532.5(PCCB):c.543+1G>C

Gene: PCCB (propionyl-CoA carboxylase subunit beta; plus strand). Cytogenetic location: 3q22.3.
Variant type: single nucleotide variant.
Coding change: c.543+1G>C on transcript NM_000532.5 (MANE Select); the canonical splice donor site of the intron after coding-DNA position 543, G replaced by C.
Molecular consequence: splice donor variant.
Genome position (GRCh38, 1-based): chr3:136,262,066, G>C. VCF-style: chr3-136262066-G-C. GRCh37 (hg19) VCF-style: chr3-135980908-G-C.
Other names: c.603+1G>C (NM_001178014.2).
Identifiers: ClinVar variation 2751485 (VCV002751485.3), dbSNP rs2108146835, ClinGen allele CA354740024.